The following is an entry in ClinVar:

ClinVar aggregate classification (germline): Pathogenic (1 of 4 stars; one submission).

Allele frequency attached by ClinVar (database versions not stated): ExAC 0.00001; gnomAD exomes 0.00001 and 0.00003; TOPMed 0.00001; gnomAD 0.00002.

Submission:

GeneDx
Classification: Pathogenic. Last evaluated: 2025-09-10. Review status: criteria provided, single submitter. Criteria: GeneDx Variant Classification Process June 2021. Collection method: clinical testing. Allele origin: germline. Affected: yes.
Comment: Frameshift variant predicted to result in protein truncation or nonsense mediated decay in a gene for which loss of function is a known mechanism of disease; Not observed at significant frequency in large population cohorts (gnomAD); Has not been previously published as pathogenic or benign to our knowledge; This variant is associated with the following publications: (PMID: 27535533)

NM_001383.6(DPH1):c.607dup (p.Cys203fs)

Gene: DPH1 (diphthamide biosynthesis 1; plus strand). Cytogenetic location: 17p13.3.
Variant type: Duplication.
Coding change: c.607dup on transcript NM_001383.6 (MANE Select); coding-DNA position 607, one base duplicated (T; older notation c.607dupT).
Protein change: p.Cys203fs; shifts the reading frame from cysteine 203.
Molecular consequence: frameshift variant. On other transcripts: non-coding transcript variant (3).
Genome position (GRCh38, 1-based): chr17:2,036,883, T duplicated. VCF-style (leftmost placement, unchanged base first): chr17-2036882-G-GT. GRCh37 (hg19) VCF-style: chr17-1940176-G-GT.
Other names: c.622dup, p.Cys208fs (NM_001346574.1); c.589dup, p.Cys197fs (NM_001346575.1); c.202dup, p.Cys68fs (NM_001346576.2); c.622dupT (NM_001383.3); short protein forms C203fs, C197fs, C68fs, C208fs.
Identifiers: ClinVar variation 817488 (VCV000817488.5), dbSNP rs763506909, ClinGen allele CA8277061.